The following is an entry in ClinVar:

ClinVar aggregate classification (germline): Uncertain significance (1 of 4 stars; one submission).

Conditions:
Inborn genetic diseases. Identifiers: MedGen C0950123, MeSH D030342.

Allele frequency attached by ClinVar (database versions not stated): gnomAD exomes below 0.00001.
gnomAD v4.1: 1 of 1,604,256 alleles (0.000062%); highest among the groups gnomAD compares: Non-Finnish European, 0.000085%; no homozygotes.

Submission:

Ambry Genetics
Classification: Uncertain significance for Inborn genetic diseases. Last evaluated: 2022-10-17. Review status: criteria provided, single submitter. Criteria: Ambry Variant Classification Scheme 2023. Collection method: clinical testing. Allele origin: germline.
Comment: The p.Q461R variant (also known as c.1382A>G), located in coding exon 10 of the EPAS1 gene, results from an A to G substitution at nucleotide position 1382. The glutamine at codon 461 is replaced by arginine, an amino acid with highly similar properties. This amino acid position is conserved. In addition, the in silico prediction for this alteration is inconclusive. Since supporting evidence is limited at this time, the clinical significance of this alteration remains unclear.

NM_001430.5(EPAS1):c.1382A>G (p.Gln461Arg)

Gene: EPAS1 (endothelial PAS domain protein 1; plus strand). Cytogenetic location: 2p21.
Variant type: single nucleotide variant.
Coding change: c.1382A>G on transcript NM_001430.5 (MANE Select); coding-DNA position 1382, A replaced by G.
Protein change: p.Gln461Arg; replaces glutamine 461 with arginine.
Molecular consequence: missense variant.
Genome position (GRCh38, 1-based): chr2:46,378,026, A>G. VCF-style: chr2-46378026-A-G. GRCh37 (hg19) VCF-style: chr2-46605165-A-G.
Other names: short protein forms Q461R.
Identifiers: ClinVar variation 1771311 (VCV001771311.2), dbSNP rs1323581105, ClinGen allele CA346703965.